The following is an entry in ClinVar:

ClinVar aggregate classification (germline): Uncertain significance (1 of 4 stars; one submission).

Conditions:
Hereditary nonpolyposis colorectal neoplasms. Identifiers: MedGen C0009405, MeSH D003123.

Submission:

Labcorp Genetics (formerly Invitae), Labcorp
Classification: Uncertain significance for Hereditary nonpolyposis colorectal neoplasms. Last evaluated: 2019-08-21. Review status: criteria provided, single submitter. Criteria: Invitae Variant Classification Sherloc (09022015). Collection method: clinical testing. Allele origin: germline.
Comment: In summary, the available evidence is currently insufficient to determine the role of this variant in disease. Therefore, it has been classified as a Variant of Uncertain Significance. Algorithms developed to predict the effect of missense changes on protein structure and function are either unavailable or do not agree on the potential impact of this missense change (SIFT: "Tolerated"; PolyPhen-2: "Possibly Damaging"; Align-GVGD: "Class C0"). This variant has not been reported in the literature in individuals with PMS2-related conditions. The frequency data for this variant in the population databases (ExAC) is considered unreliable due to the presence of homologous sequence, such as pseudogenes or paralogs, in the genome. This sequence change replaces glutamic acid with aspartic acid at codon 677 of the PMS2 protein (p.Glu677Asp). The glutamic acid residue is highly conserved and there is a small physicochemical difference between glutamic acid and aspartic acid.

NM_000535.7(PMS2):c.2031A>C (p.Glu677Asp)

Gene: PMS2 (PMS1 homolog 2, mismatch repair system component; minus strand). Cytogenetic location: 7p22.1.
Variant type: single nucleotide variant.
Coding change: c.2031A>C on transcript NM_000535.7 (MANE Select); coding-DNA position 2031, A replaced by C.
Protein change: p.Glu677Asp; replaces glutamic acid 677 with aspartic acid.
Molecular consequence: missense variant. On other transcripts: non-coding transcript variant (1).
Genome position (GRCh38, 1-based): chr7:5,982,967, T>G on the plus strand (A>C on the coding strand, the complement: PMS2 is on the minus strand). VCF-style: chr7-5982967-T-G. GRCh37 (hg19) VCF-style: chr7-6022598-T-G.
Other names: c.1626A>C, p.Glu542Asp (NM_001322003.2, NM_001322004.2, NM_001322005.2 and 1 more transcripts); c.1875A>C, p.Glu625Asp (NM_001322006.2); c.1713A>C, p.Glu571Asp (NM_001322007.2, NM_001322008.2); c.1470A>C, p.Glu490Asp (NM_001322010.2); c.1098A>C, p.Glu366Asp (NM_001322011.2, NM_001322012.2); c.1458A>C, p.Glu486Asp (NM_001322013.2); c.2031A>C, p.Glu677Asp (NM_001322014.2); c.1722A>C, p.Glu574Asp (NM_001322015.2); short protein forms E490D, E542D, E571D, E625D, E574D, E366D, E486D, E677D.
Identifiers: ClinVar variation 946342 (VCV000946342.9), dbSNP rs1782467652, ClinGen allele CA366738143.